The following is an entry in ClinVar:

ClinVar aggregate classification (germline): Pathogenic. Review status: criteria provided, multiple submitters, no conflicts (2 of 4 stars). 2 submissions from 2 submitters: Pathogenic (2). Last evaluated 2025-03-05.

Conditions:
EXT2-related disorder. Also called: EXT2-related condition.
Exostoses, multiple, type 2 (EXT2). Also called: Hereditary Multiple Osteochondromatosis, Type II; EXOSTOSES, MULTIPLE, TYPE II. Identifiers: Orphanet 321, MedGen C1851413, MONDO:0007586, OMIM 133701.

Submissions (2):

PreventionGenetics, part of Exact Sciences
Classification: Pathogenic for EXT2-related condition. Last evaluated: 2025-03-05. Review status: criteria provided, single submitter. Criteria: ACMG Guidelines, 2015. Collection method: clinical testing. Allele origin: germline.
Comment: The EXT2 c.244delG variant is predicted to result in a frameshift and premature protein termination (p.Asp82Ilefs*30). This variant has been reported in individual(s) with multiple osteochondromas (see for example, Table 2 in Fusco et al. 2019. PubMed ID: 30806661). This variant has not been reported in a large population database (gnomAD), indicating this variant is rare. Frameshift variants in EXT2 are expected to be pathogenic. This variant is interpreted as pathogenic.

Labcorp Genetics (formerly Invitae), Labcorp
Classification: Pathogenic for Exostoses, multiple, type 2. Last evaluated: 2022-04-04. Review status: criteria provided, single submitter. Criteria: Invitae Variant Classification Sherloc (09022015). Collection method: clinical testing. Allele origin: germline.
Comment: For these reasons, this variant has been classified as Pathogenic. ClinVar contains an entry for this variant (Variation ID: 465699). This variant is also known as 239-244delG. This premature translational stop signal has been observed in individual(s) with multiple osteochondromatosis (PMID: 18666861, 25449079). It has also been observed to segregate with disease in related individuals. This variant is not present in population databases (gnomAD no frequency). This sequence change creates a premature translational stop signal (p.Asp82Ilefs*30) in the EXT2 gene. It is expected to result in an absent or disrupted protein product. Loss-of-function variants in EXT2 are known to be pathogenic (PMID: 10679937, 19810120).

Literature cited by the submitters: PubMed 18666861 (cited by Labcorp Genetics (formerly Invitae), Labcorp); PubMed 25449079 (cited by Labcorp Genetics (formerly Invitae), Labcorp); PubMed 10679937 (cited by Labcorp Genetics (formerly Invitae), Labcorp); PubMed 19810120 (cited by Labcorp Genetics (formerly Invitae), Labcorp).

NM_207122.2(EXT2):c.244del (p.Asp82fs)

Gene: EXT2 (exostosin glycosyltransferase 2; plus strand). Cytogenetic location: 11p11.2.
Variant type: Deletion.
Coding change: c.244del on transcript NM_207122.2 (MANE Select); coding-DNA position 244, one base deleted (G; older notation c.244delG).
Protein change: p.Asp82fs; shifts the reading frame from aspartic acid 82.
Molecular consequence: frameshift variant.
Genome position (GRCh38, 1-based): chr11:44,107,956, G deleted; the last of 6 consecutive G bases (chr11:44,107,951-44,107,956); deleting any one gives the same sequence. VCF-style (leftmost placement, unchanged base first): chr11-44107950-CG-C. GRCh37 (hg19) VCF-style: chr11-44129500-CG-C.
Other names: c.244delG (NM_207122.1); c.343del, p.Asp115fs (NM_000401.3); c.244del, p.Asp82fs (NM_001178083.3, NM_001389628.1, NM_001389630.1); short protein forms D115fs, D82fs.
Identifiers: ClinVar variation 465699 (VCV000465699.12), dbSNP rs1555002457, ClinGen allele CA658658048.